The following is an entry in ClinVar:

NM_000083.3(CLCN1):c.433+4G>C

Gene: CLCN1 (chloride voltage-gated channel 1; plus strand). Cytogenetic location: 7q34.
Variant type: single nucleotide variant.
Coding change: c.433+4G>C on transcript NM_000083.3 (MANE Select); 4 bases into the intron after coding-DNA position 433, G replaced by C.
Molecular consequence: intron variant.
Genome position (GRCh38, 1-based): chr7:143,320,799, G>C. VCF-style: chr7-143320799-G-C. GRCh37 (hg19) VCF-style: chr7-143017892-G-C.
Identifiers: ClinVar variation 2950027 (VCV002950027.3), dbSNP rs1347251164, ClinGen allele CA2740094891.
Genomic context (GRCh38, chr7:143,320,799, plus strand): 5'-TGCTGATGGCTCTGGTCAGCTGGAGCATGGACTACGTCAGTGCCAAAAGCCTTCAGGGTA[G>C]GTTTAACCTGGACCTTTGCCCACAGCCGTTTCTGGAGTTTCTACCTAGGGTAAGCAGGGT-3'

ClinVar aggregate classification (germline): Uncertain significance (1 of 4 stars; one submission).

Conditions:
Congenital myotonia, autosomal dominant form (THD). Also called: THOMSEN DISEASE; Myotonia congenita autosomal dominant. Identifiers: Orphanet 614, MedGen C2936781, MONDO:0008055, OMIM 160800.
Congenital myotonia, autosomal recessive form. Also called: BECKER DISEASE; Becker Generalized Myotonia; myotonia congenita, autosomal recessive. Identifiers: Orphanet 614, MedGen C0751360, MONDO:0009715, OMIM 255700.

Submission:

Labcorp Genetics (formerly Invitae), Labcorp
Classification: Uncertain significance for Congenital myotonia, autosomal recessive form; Congenital myotonia, autosomal dominant form. Last evaluated: 2023-07-19. Review status: criteria provided, single submitter. Criteria: Invitae Variant Classification Sherloc (09022015). Collection method: clinical testing. Allele origin: germline.
Comment: In summary, the available evidence is currently insufficient to determine the role of this variant in disease. Therefore, it has been classified as a Variant of Uncertain Significance. This sequence change falls in intron 3 of the CLCN1 gene. It does not directly change the encoded amino acid sequence of the CLCN1 protein. It affects a nucleotide within the consensus splice site. This variant is not present in population databases (gnomAD no frequency). This variant has not been reported in the literature in individuals affected with CLCN1-related conditions. Variants that disrupt the consensus splice site are a relatively common cause of aberrant splicing (PMID: 17576681, 9536098). Algorithms developed to predict the effect of sequence changes on RNA splicing suggest that this variant may create or strengthen a splice site.

Literature cited by the submitters: PubMed 17576681; PubMed 9536098.